The following is an entry in ClinVar:

NM_000169.3(GLA):c.172del (p.Glu58fs)

Genes: GLA (galactosidase alpha; minus strand), RPL36A-HNRNPH2 (RPL36A-HNRNPH2 readthrough; plus strand). Cytogenetic location: Xq22.1.
Variant type: Deletion.
Coding change: c.172del on transcript NM_000169.3 (MANE Select); coding-DNA position 172, one base deleted (G; older notation c.172delG).
Protein change: p.Glu58fs; shifts the reading frame from glutamic acid 58.
Molecular consequence: frameshift variant. On other transcripts: non-coding transcript variant (3), intron variant (2).
Genome position (GRCh38, 1-based): chrX:101,407,732, C deleted on the plus strand (G on the coding strand, the reverse complement: GLA is on the minus strand); the first of 2 consecutive C bases (chrX:101,407,732-101,407,733); deleting either gives the same sequence. VCF-style (leftmost placement, unchanged base first): chrX-101407731-TC-T. GRCh37 (hg19) VCF-style: chrX-100662719-TC-T.
Other names: c.172delG (NM_000169.2); c.172del, p.Glu58fs (NM_001406747.1, NM_001406748.1, NM_001406749.1); c.301-4203del (NM_001199973.2); c.178-4203del (NM_001199974.2); short protein forms E58fs.
Identifiers: ClinVar variation 222190 (VCV000222190.1), dbSNP rs869312261, ClinGen allele CA352676.

ClinVar aggregate classification (germline): Likely pathogenic (1 of 4 stars; one submission).

Conditions:
Fabry disease. Also called: HEREDITARY DYSTOPIC LIPIDOSIS; Ceramide trihexosidosis; Fabry's disease; Angiokeratoma corporis diffusum; ALPHA-GALACTOSIDASE A DEFICIENCY; ANDERSON-FABRY DISEASE. Identifiers: Orphanet 324, MedGen C0002986, MONDO:0010526, OMIM 301500, HP:0001071. Disease mechanism: Fabry disease is due to inactivating mutations in the X-linked GLA gene resulting in deficiency of the enzyme Alpha Galactosidase-A., loss of function.

Submission:

Women's Health and Genetics/Laboratory Corporation of America, LabCorp
Classification: Likely pathogenic for Fabry disease. Last evaluated: 2020-01-10. Review status: criteria provided, single submitter. Criteria: LabCorp Variant Classification Summary - May 2015. Collection method: clinical testing. Allele origin: germline.
Comment: Variant summary: GLA c.172delG (p.Glu58LysfsX63) results in a premature termination codon, predicted to cause a truncation of the encoded protein or absence of the protein due to nonsense mediated decay, which are commonly known mechanisms for disease. Truncations downstream of this position have been classified as pathogenic by our laboratory. The variant was absent in 183298 control chromosomes (gnomAD). To our knowledge, no occurrence of c.172delG in individuals affected with Fabry Disease and no experimental evidence demonstrating an impact on protein function have been reported. No clinical diagnostic laboratories have submitted clinical-significance assessments for this variant to ClinVar after 2014. Based on the evidence outlined above, the variant was classified as likely pathogenic.